The following is an entry in ClinVar:

NM_001999.4(FBN2):c.4585A>G (p.Asn1529Asp)

Gene: FBN2 (fibrillin 2; minus strand). Cytogenetic location: 5q23.3.
Variant type: single nucleotide variant.
Coding change: c.4585A>G on transcript NM_001999.4 (MANE Select); coding-DNA position 4585, A replaced by G.
Protein change: p.Asn1529Asp; replaces asparagine 1529 with aspartic acid.
Molecular consequence: missense variant.
Genome position (GRCh38, 1-based): chr5:128,318,888, T>C on the plus strand (A>G on the coding strand, the complement: FBN2 is on the minus strand). VCF-style: chr5-128318888-T-C. GRCh37 (hg19) VCF-style: chr5-127654580-T-C.
Other names: short protein forms N1529D.
Identifiers: ClinVar variation 426192 (VCV000426192.5), dbSNP rs1085307489, ClinGen allele CA360750205.

ClinVar aggregate classification (germline): Uncertain significance. Review status: criteria provided, multiple submitters, no conflicts (2 of 4 stars). 2 submissions from 2 submitters: Uncertain significance (2). Last evaluated 2024-03-22.

Conditions:
Congenital contractural arachnodactyly (CCA). Also called: Arthrogryposis, distal, type 9; BEALS SYNDROME; Beals-Hecht syndrome. Identifiers: Orphanet 115, MedGen C0220668, MONDO:0007363, OMIM 121050.

Allele frequency attached by ClinVar (database versions not stated): TOPMed below 0.00001; gnomAD 0.00001.
gnomAD v4.1: 1 of 1,613,328 alleles (0.000062%); highest among the groups gnomAD compares: African/African-American, 0.0013%; no homozygotes.

Submissions (2):

Labcorp Genetics (formerly Invitae), Labcorp
Classification: Uncertain significance for Congenital contractural arachnodactyly. Last evaluated: 2024-03-22. Review status: criteria provided, single submitter. Criteria: Invitae Variant Classification Sherloc (09022015). Collection method: clinical testing. Allele origin: germline.
Comment: This sequence change replaces asparagine, which is neutral and polar, with aspartic acid, which is acidic and polar, at codon 1529 of the FBN2 protein (p.Asn1529Asp). This variant is not present in population databases (gnomAD no frequency). This variant has not been reported in the literature in individuals affected with FBN2-related conditions. ClinVar contains an entry for this variant (Variation ID: 426192). Advanced modeling of protein sequence and biophysical properties (such as structural, functional, and spatial information, amino acid conservation, physicochemical variation, residue mobility, and thermodynamic stability) performed at Invitae indicates that this missense variant is expected to disrupt FBN2 protein function with a positive predictive value of 80%. In summary, the available evidence is currently insufficient to determine the role of this variant in disease. Therefore, it has been classified as a Variant of Uncertain Significance.

GeneDx
Classification: Uncertain significance. Last evaluated: 2017-04-27. Review status: criteria provided, single submitter. Criteria: GeneDx Variant Classification (06012015). Collection method: clinical testing. Allele origin: germline. Affected: yes.
Comment: The N1529D variant has not beenpublished as pathogenic or been reported as benign to our knowledge. It is not observed in large population cohorts(Lek et al., 2016; 1000 Genomes Consortium et al., 2015; Exome Variant Server). The N1529D variant is asemi-conservative amino acid substitution, which may impact secondary protein structure as these residues differ insome properties. Moreover, this substitution occurs at a position that is conserved across species, and in silicoanalysis predicts this variant is probably damaging to the protein structure/function. However, although this variantresides within the calcium-binding EGF-like domain of the FBN2 gene, it does not affect a cysteine residue. Cysteinesubstitutions in the calcium-binding EGF-like domains represent the majority of pathogenic missense changesassociated with CCA (Collod-Beroud et al., 2003; FrÃ©dÃ©ric et al., 2009).